The following is an entry in ClinVar:

ClinVar aggregate classification (germline): Benign/Likely benign. Review status: criteria provided, multiple submitters, no conflicts (2 of 4 stars). 7 submissions from 7 submitters: Benign (3); Likely benign (3). 1 of the submissions does not count toward it. Last evaluated 2026-01-31.

Conditions:
Developmental and epileptic encephalopathy, 69. Also called: EPILEPTIC ENCEPHALOPATHY, EARLY INFANTILE, 69. Identifiers: MedGen C4748988, MONDO:0032657, OMIM 618285.
CACNA1E-related disorder. Also called: CACNA1E-related condition.

Allele frequency attached by ClinVar (database versions not stated): gnomAD exomes 0.00133 and 0.00286; ExAC 0.00316; 1000 Genomes Project 0.00499; 1000 Genomes Project 30x 0.00547; TOPMed 0.00579; ESP Exome Variant Server 0.00588; gnomAD 0.00604 and 0.00634.
gnomAD v4.1: 2,926 of 1,612,628 alleles (0.18%); highest among the groups gnomAD compares: African/African-American, 1.7%; 16 homozygotes.

Submissions (7):

Labcorp Genetics (formerly Invitae), Labcorp
Classification: Benign. Last evaluated: 2026-01-31. Review status: criteria provided, single submitter. Criteria: Invitae Variant Classification Sherloc (09022015). Collection method: clinical testing. Allele origin: germline.

ARUP Laboratories, Molecular Genetics and Genomics, ARUP Laboratories
Classification: Benign for Developmental and epileptic encephalopathy, 69. Last evaluated: 2025-07-17. Review status: criteria provided, single submitter. Criteria: ARUP Molecular Germline Variant Investigation Process 2024. Collection method: clinical testing. Allele origin: germline.

Genome-Nilou Lab
Classification: Likely benign for Developmental and epileptic encephalopathy, 69. Last evaluated: 2023-04-11. Review status: criteria provided, single submitter. Criteria: ACMG Guidelines, 2015. Collection method: clinical testing. Allele origin: germline. Affected: no.

Mayo Clinic Laboratories, Mayo Clinic
Classification: Benign. Last evaluated: 2023-04-05. Review status: criteria provided, single submitter. Criteria: ACMG Guidelines, 2015. Collection method: clinical testing. Allele origin: germline. Observed: 2 variant alleles.
Comment: BS1, BS2

GeneDx
Classification: Likely benign. Last evaluated: 2021-03-28. Review status: criteria provided, single submitter. Criteria: GeneDx Variant Classification Process June 2021. Collection method: clinical testing. Allele origin: germline. Affected: yes.

Breakthrough Genomics
Classification: Likely benign. Review status: criteria provided, single submitter. Criteria: ACMG Guidelines, 2015. Collection method: not provided. Allele origin: germline. Inheritance: Autosomal dominant inheritance. Affected: yes.

PreventionGenetics, part of Exact Sciences
Classification: Benign for CACNA1E-related condition. Last evaluated: 2020-02-26. Review status: no assertion criteria provided. Collection method: clinical testing. Allele origin: germline. Not counted in ClinVar's aggregate classification.
Comment: This variant is classified as benign based on ACMG/AMP sequence variant interpretation guidelines (Richards et al. 2015 PMID: 25741868, with internal and published modifications).

NM_001205293.3(CACNA1E):c.3065C>T (p.Thr1022Met)

Gene: CACNA1E (calcium voltage-gated channel subunit alpha1 E; plus strand). Cytogenetic location: 1q25.3.
Variant type: single nucleotide variant.
Coding change: c.3065C>T on transcript NM_001205293.3 (MANE Select); coding-DNA position 3065, C replaced by T.
Protein change: p.Thr1022Met; replaces threonine 1022 with methionine.
Molecular consequence: missense variant.
Genome position (GRCh38, 1-based): chr1:181,733,553, C>T. VCF-style: chr1-181733553-C-T. GRCh37 (hg19) VCF-style: chr1-181702689-C-T.
Other names: p.Thr1022Met; c.3065C>T, p.Thr1022Met (NM_000721.4); c.3008C>T, p.Thr1003Met (NM_001205294.2); short protein forms T1003M, T1022M.
Identifiers: ClinVar variation 1168089 (VCV001168089.17), dbSNP rs74127835, ClinGen allele CA1275471.